The following is an entry in ClinVar:

ClinVar aggregate classification (germline): Uncertain significance (1 of 4 stars; one submission).

Conditions:
MYH9-related disorder. Identifiers: MedGen C1854520.

Submission:

PreventionGenetics, part of Exact Sciences
Classification: Uncertain significance for MYH9-related condition. Last evaluated: 2026-06-22. Review status: criteria provided, single submitter. Criteria: ACMG Guidelines, 2015. Collection method: clinical testing. Allele origin: germline.
Comment: The MYH9 c.5402T>C variant is predicted to result in the amino acid substitution p.Val1801Ala. To our knowledge, this variant has not been reported in the literature or in a large population database (gnomAD), indicating this variant is rare. At this time, the clinical significance of this variant is uncertain due to the absence of conclusive functional and genetic evidence.

NM_002473.6(MYH9):c.5402T>C (p.Val1801Ala)

Gene: MYH9 (myosin heavy chain 9; minus strand). Cytogenetic location: 22q12.3.
Variant type: single nucleotide variant.
Coding change: c.5402T>C on transcript NM_002473.6 (MANE Select); coding-DNA position 5402, T replaced by C.
Protein change: p.Val1801Ala; replaces valine 1801 with alanine.
Molecular consequence: missense variant.
Genome position (GRCh38, 1-based): chr22:36,285,202, A>G on the plus strand (T>C on the coding strand, the complement: MYH9 is on the minus strand). VCF-style: chr22-36285202-A-G. GRCh37 (hg19) VCF-style: chr22-36681248-A-G.
Other names: short protein forms V1801A.
Identifiers: ClinVar variation 4996331 (VCV004996331.1).